The following is an entry in ClinVar:

NM_016026.4(RDH11):c.319A>G (p.Ile107Val)

Genes: GPHN (gephyrin; plus strand), RDH11 (retinol dehydrogenase 11; minus strand). Cytogenetic location: 14q24.1.
Variant type: single nucleotide variant.
Coding change: c.319A>G on transcript NM_016026.4 (MANE Select); coding-DNA position 319, A replaced by G.
Protein change: p.Ile107Val; replaces isoleucine 107 with valine.
Molecular consequence: missense variant.
Genome position (GRCh38, 1-based): chr14:67,692,468, T>C on the plus strand (A>G on the coding strand, the complement: RDH11 is on the minus strand). VCF-style: chr14-67692468-T-C. GRCh37 (hg19) VCF-style: chr14-68159185-T-C.
Other names: c.319A>G, p.Ile107Val (NM_001252650.2); short protein forms I107V.
Identifiers: ClinVar variation 1965445 (VCV001965445.5), dbSNP rs2503646476, ClinGen allele CA390136611.

ClinVar aggregate classification (germline): Uncertain significance (1 of 4 stars; one submission).

Submission:

Labcorp Genetics (formerly Invitae), Labcorp
Classification: Uncertain significance. Last evaluated: 2022-02-08. Review status: criteria provided, single submitter. Criteria: Invitae Variant Classification Sherloc (09022015). Collection method: clinical testing. Allele origin: germline.
Comment: In summary, the available evidence is currently insufficient to determine the role of this variant in disease. Therefore, it has been classified as a Variant of Uncertain Significance. Algorithms developed to predict the effect of missense changes on protein structure and function (SIFT, PolyPhen-2, Align-GVGD) all suggest that this variant is likely to be tolerated. This variant has not been reported in the literature in individuals affected with RDH11-related conditions. This variant is not present in population databases (gnomAD no frequency). This sequence change replaces isoleucine, which is neutral and non-polar, with valine, which is neutral and non-polar, at codon 107 of the RDH11 protein (p.Ile107Val).